The following is an entry in ClinVar:

NM_001083961.2(WDR62):c.3271_3273del (p.His1091del)

Gene: WDR62 (WD repeat domain 62; plus strand). Cytogenetic location: 19q13.12.
Variant type: Deletion.
Coding change: c.3271_3273del on transcript NM_001083961.2 (MANE Select); coding-DNA positions 3271 to 3273, 3 bases deleted (CAC; older notation c.3271_3273delCAC).
Protein change: p.His1091del; deletes histidine 1091.
Molecular consequence: inframe deletion.
Genome position (GRCh38, 1-based): chr19:36,102,787-36,102,789, CAC deleted; deleting any 3 consecutive bases within chr19:36,102,785-36,102,789 gives the same sequence; the c. name uses the placement nearest the transcript's 3' end. VCF-style (leftmost placement, unchanged base first): chr19-36102784-GACC-G. GRCh37 (hg19) VCF-style: chr19-36593686-GACC-G.
Other names: c.3271_3273delCAC (NM_001083961.1); c.3256_3258del, p.His1086del (NM_173636.5); short protein forms H1091del, H1086del.
Identifiers: ClinVar variation 196011 (VCV000196011.12), dbSNP rs794727435, ClinGen allele CA202078.

ClinVar aggregate classification (germline): Conflicting classifications of pathogenicity. Review status: criteria provided, conflicting classifications (1 of 4 stars). 4 submissions from 4 submitters: Uncertain significance (2); Benign (1); Likely benign (1). Last evaluated 2022-10-17.

Conditions:
Inborn genetic diseases. Identifiers: MedGen C0950123, MeSH D030342.

Submissions (4):

Labcorp Genetics (formerly Invitae), Labcorp
Classification: Uncertain significance. Last evaluated: 2022-10-17. Review status: criteria provided, single submitter. Criteria: Invitae Variant Classification Sherloc (09022015). Collection method: clinical testing. Allele origin: germline.
Comment: This variant, c.3271_3273del, results in the deletion of 1 amino acid(s) of the WDR62 protein (p.His1091del), but otherwise preserves the integrity of the reading frame. This variant is present in population databases (rs776389758, gnomAD 0.1%). This variant has not been reported in the literature in individuals affected with WDR62-related conditions. ClinVar contains an entry for this variant (Variation ID: 196011). Experimental studies and prediction algorithms are not available or were not evaluated, and the functional significance of this variant is currently unknown. In summary, the available evidence is currently insufficient to determine the role of this variant in disease. Therefore, it has been classified as a Variant of Uncertain Significance.

Ambry Genetics
Classification: Uncertain significance for Inborn genetic diseases. Last evaluated: 2021-07-02. Review status: criteria provided, single submitter. Criteria: Ambry Variant Classification Scheme 2023. Collection method: clinical testing. Allele origin: germline.
Comment: The c.3271_3273delCAC (p.H1091del) alteration is located in exon 27 (coding exon 27) of the WDR62 gene. This alteration consists of an in-frame deletion of 3 nucleotides between nucleotide positions c.3271 and c.3273, resulting in the deletion of <NA> residues. Based on insufficient or conflicting evidence, the clinical significance of this alteration remains unclear.

GeneDx
Classification: Likely benign. Last evaluated: 2020-02-18. Review status: criteria provided, single submitter. Criteria: GeneDx Variant Classification Process June 2021. Collection method: clinical testing. Allele origin: germline. Affected: yes.

Eurofins Ntd Llc (ga)
Classification: Benign. Last evaluated: 2014-07-25. Review status: criteria provided, single submitter. Criteria: EGL Classification Definitions 2015. Collection method: clinical testing. Allele origin: germline. Observed: 1 variant allele, 1 heterozygote.